The following is an entry in ClinVar:

NM_000548.5(TSC2):c.5199C>T (p.Thr1733=)

Gene: TSC2 (TSC complex subunit 2; plus strand). Cytogenetic location: 16p13.3.
Variant type: single nucleotide variant.
Coding change: c.5199C>T on transcript NM_000548.5 (MANE Select); coding-DNA position 5199, C replaced by T.
Protein change: p.Thr1733=; no amino-acid change (threonine 1733 retained).
Molecular consequence: synonymous variant.
Genome position (GRCh38, 1-based): chr16:2,088,265, C>T. VCF-style: chr16-2088265-C-T. GRCh37 (hg19) VCF-style: chr16-2138266-C-T.
Other names: c.4998C>T, p.Thr1666= (NM_001077183.3); c.5130C>T, p.Thr1710= (NM_001114382.3); c.4890C>T, p.Thr1630= (NM_001318827.2); c.4854C>T, p.Thr1618= (NM_001318829.2); c.4467C>T, p.Thr1489= (NM_001318831.2); c.5031C>T, p.Thr1677= (NM_001318832.2); c.5001C>T, p.Thr1667= (NM_001363528.2); c.5067C>T, p.Thr1689= (NM_001370404.1); and 2 more.
Identifiers: ClinVar variation 256633 (VCV000256633.21), dbSNP rs778378296, ClinGen allele CA054385.

ClinVar aggregate classification (germline): Benign/Likely benign. Review status: criteria provided, multiple submitters, no conflicts (2 of 4 stars). 7 submissions from 7 submitters: Benign (3); Likely benign (4). Last evaluated 2026-05-03.

Conditions:
Hereditary cancer-predisposing syndrome. Also called: Neoplastic Syndromes, Hereditary; Tumor predisposition; Hereditary Cancer Syndrome; Hereditary neoplastic syndrome. Identifiers: Orphanet 140162, MedGen C0027672, MeSH D009386, MONDO:0015356.
Tuberous sclerosis 2 (TSC2). Identifiers: Orphanet 805, MedGen C1860707, MONDO:0013199, OMIM 613254.

Allele frequency attached by ClinVar (database versions not stated): gnomAD 0.00001; ExAC 0.00002; TOPMed 0.00004; gnomAD exomes 0.00002.

Submissions (7):

Women's Health and Genetics/Laboratory Corporation of America, LabCorp
Classification: Likely benign. Last evaluated: 2026-05-03. Review status: criteria provided, single submitter. Criteria: LabCorp Variant Classification Summary - May 2015. Collection method: clinical testing. Allele origin: germline.

Labcorp Genetics (formerly Invitae), Labcorp
Classification: Benign for Tuberous sclerosis 2. Last evaluated: 2026-01-12. Review status: criteria provided, single submitter. Criteria: Invitae Variant Classification Sherloc (09022015). Collection method: clinical testing. Allele origin: germline.

Myriad Genetics, Inc.
Classification: Benign for Tuberous sclerosis 2. Last evaluated: 2025-06-06. Review status: criteria provided, single submitter. Criteria: Myriad Autosomal Dominant, Autosomal Recessive and X-Linked Classification Criteria (2023). Collection method: clinical testing. Allele origin: unknown.
Comment: This variant is considered benign. This variant is a silent/synonymous amino acid change and it is not expected to impact splicing.

Genome-Nilou Lab
Classification: Benign for Tuberous sclerosis 2. Last evaluated: 2021-11-07. Review status: criteria provided, single submitter. Criteria: ACMG Guidelines, 2015. Collection method: clinical testing. Allele origin: germline. Affected: no.

Sema4
Classification: Likely benign for Hereditary cancer-predisposing syndrome. Last evaluated: 2021-05-21. Review status: criteria provided, single submitter. Criteria: Sema4 Curation Guidelines. Collection method: curation. Allele origin: germline.

Ambry Genetics
Classification: Likely benign for Hereditary cancer-predisposing syndrome. Last evaluated: 2015-11-09. Review status: criteria provided, single submitter. Criteria: Ambry Variant Classification Scheme 2023. Collection method: clinical testing. Allele origin: germline.

PreventionGenetics, part of Exact Sciences
Classification: Likely benign. Review status: criteria provided, single submitter. Criteria: ACMG Guidelines, 2015. Collection method: clinical testing. Allele origin: germline.